The following is an entry in ClinVar:

NM_001401501.2(MUC16):c.8144C>T (p.Ser2715Leu)

Gene: MUC16 (mucin 16, cell surface associated; minus strand). Cytogenetic location: 19p13.2.
Variant type: single nucleotide variant.
Coding change: c.8144C>T on transcript NM_001401501.2 (MANE Select); coding-DNA position 8144, C replaced by T.
Protein change: p.Ser2715Leu; replaces serine 2715 with leucine.
Molecular consequence: missense variant.
Genome position (GRCh38, 1-based): chr19:8,973,115, G>A on the plus strand (C>T on the coding strand, the complement: MUC16 is on the minus strand). VCF-style: chr19-8973115-G-A. GRCh37 (hg19) VCF-style: chr19-9083791-G-A.
Other names: c.8570C>T, p.Ser2857Leu (NM_001414686.1); c.8024C>T, p.Ser2675Leu (NM_001414687.1, NM_024690.2); short protein forms S2675L, S2715L, S2857L.
Identifiers: ClinVar variation 3056735 (VCV003056735.2), dbSNP rs60106152, ClinGen allele CA9172058.

ClinVar aggregate classification (germline): Benign (0 of 4 stars; one submission).

Conditions:
MUC16-related disorder. Also called: MUC16-related condition.

Allele frequency attached by ClinVar (database versions not stated): gnomAD exomes 0.10426; ESP Exome Variant Server 0.10793; TOPMed 0.11425; gnomAD 0.12196; ExAC 0.12217; 1000 Genomes Project 30x 0.14210; 1000 Genomes Project 0.14617.

Submission:

PreventionGenetics, part of Exact Sciences
Classification: Benign for MUC16-related condition. Last evaluated: 2019-11-07. Review status: no assertion criteria provided. Collection method: clinical testing. Allele origin: germline.
Comment: This variant is classified as benign based on ACMG/AMP sequence variant interpretation guidelines (Richards et al. 2015 PMID: 25741868, with internal and published modifications).